The following is an entry in ClinVar:

ClinVar aggregate classification (germline): Benign/Likely benign. Review status: criteria provided, multiple submitters, no conflicts (2 of 4 stars). 3 submissions from 3 submitters: Benign (1); Likely benign (1). 1 of the submissions does not count toward it. Last evaluated 2024-02-01.

Conditions:
TOP3B-related disorder. Also called: TOP3B-related condition.

Allele frequency attached by ClinVar (database versions not stated): gnomAD 0.00202 and 0.00224; TOPMed 0.00227; ESP Exome Variant Server 0.00238; 1000 Genomes Project 0.00260; 1000 Genomes Project 30x 0.00281; gnomAD exomes 0.00333; ExAC 0.00354.

Submissions (3):

CeGaT Center for Human Genetics Tuebingen
Classification: Likely benign. Last evaluated: 2024-02-01. Review status: criteria provided, single submitter. Criteria: CeGaT Center For Human Genetics Tuebingen Variant Classification Criteria Version 2. Collection method: clinical testing. Allele origin: germline. Affected: yes. Observed: 1 variant allele.
Comment: TOP3B: BP4, BP7

Labcorp Genetics (formerly Invitae), Labcorp
Classification: Benign. Last evaluated: 2019-12-31. Review status: criteria provided, single submitter. Criteria: Invitae Variant Classification Sherloc (09022015). Collection method: clinical testing. Allele origin: germline.

PreventionGenetics, part of Exact Sciences
Classification: Benign for TOP3B-related condition. Last evaluated: 2019-08-30. Review status: no assertion criteria provided. Collection method: clinical testing. Allele origin: germline. Not counted in ClinVar's aggregate classification.
Comment: This variant is classified as benign based on ACMG/AMP sequence variant interpretation guidelines (Richards et al. 2015 PMID: 25741868, with internal and published modifications).

NM_001282112.2(TOP3B):c.354C>T (p.Cys118=)

Gene: TOP3B (DNA topoisomerase III beta; minus strand). Cytogenetic location: 22q11.22.
Variant type: single nucleotide variant.
Coding change: c.354C>T on transcript NM_001282112.2 (MANE Select); coding-DNA position 354, C replaced by T.
Protein change: p.Cys118=; no amino-acid change (cysteine 118 retained).
Molecular consequence: synonymous variant. On other transcripts: 5 prime UTR variant (4), non-coding transcript variant (1).
Genome position (GRCh38, 1-based): chr22:21,971,907, G>A on the plus strand (C>T on the coding strand, the complement: TOP3B is on the minus strand). VCF-style: chr22-21971907-G-A. GRCh37 (hg19) VCF-style: chr22-22326279-G-A.
Other names: c.354C>T, p.Cys118= (NM_001282113.2, NM_001349845.2, NM_001349847.2 and 1 more transcripts); c.-137C>T (NM_001349848.2, NM_001349850.2, NM_001349851.2 and 1 more transcripts).
Identifiers: ClinVar variation 771785 (VCV000771785.27), dbSNP rs41283235, ClinGen allele CA10125976.
Genomic context (GRCh38, chr22:21,971,907, plus strand): 5'-AGTGAGGAACAAAGTGAGCCTCACACTCACCTCAAAGCAGATGTTCTCCCCCTCCTTGTC[G>A]CAGTCCAGCCACAGCACGATGTAGTCGCAGCCTCTGCCCTCCACCTGCCACACAGCACAG-3'
Protein context (NP_001269041.1, residues 108-128): GCDYIVLWLD[Cys118=]DKEGENICFE